The following is an entry in ClinVar:

NM_001853.4(COL9A3):c.1851C>A (p.Asp617Glu)

Gene: COL9A3 (collagen type IX alpha 3 chain; plus strand). Cytogenetic location: 20q13.33.
Variant type: single nucleotide variant.
Coding change: c.1851C>A on transcript NM_001853.4 (MANE Select); coding-DNA position 1851, C replaced by A.
Protein change: p.Asp617Glu; replaces aspartic acid 617 with glutamic acid.
Molecular consequence: missense variant.
Genome position (GRCh38, 1-based): chr20:62,838,748, C>A. VCF-style: chr20-62838748-C-A. GRCh37 (hg19) VCF-style: chr20-61470100-C-A.
Other names: c.1851C>A (NM_001853.3); short protein forms D617E.
Identifiers: ClinVar variation 1506300 (VCV001506300.11), dbSNP rs199577452, ClinGen allele CA9950222.

ClinVar aggregate classification (germline): Conflicting classifications of pathogenicity. Review status: criteria provided, conflicting classifications (1 of 4 stars). 3 submissions from 3 submitters: Uncertain significance (2); Likely benign (1). Last evaluated 2026-05-28.

Conditions:
COL9A3-related disorder. Also called: COL9A3-related condition.
Epiphyseal dysplasia, multiple, 3 (EDM3). Also called: COL9A3-Related Multiple Epiphyseal Dysplasia; Epiphyseal dysplasia, multiple, 3, with or without myopathy. Identifiers: MedGen C1832998, MONDO:0010964, OMIM 600969.
Intervertebral disc disorder (IDD). Also called: Lumbar disk degenerative disorder; INTERVERTEBRAL DISC DISEASE. Identifiers: MedGen C0158252, MONDO:0044339, OMIM 603932.
Stickler syndrome, type 6. Also called: Stickler syndrome, type VI; Stickler syndrome, IIa 6. Identifiers: MedGen C5774207, MONDO:0031047, OMIM 620022.

Allele frequency attached by ClinVar (database versions not stated): gnomAD 0.00004 and 0.00005; gnomAD exomes 0.00004 and 0.00007; ExAC 0.00005; TOPMed 0.00006; 1000 Genomes Project 30x 0.00016; 1000 Genomes Project 0.00020.
gnomAD v4.1: 60 of 1,551,848 alleles (0.0039%); highest among the groups gnomAD compares: East Asian, 0.1%; no homozygotes.

Submissions (3):

PreventionGenetics, part of Exact Sciences
Classification: Uncertain significance for COL9A3-related condition. Last evaluated: 2026-05-28. Review status: criteria provided, single submitter. Criteria: ACMG Guidelines, 2015. Collection method: clinical testing. Allele origin: germline.
Comment: The COL9A3 c.1851C>A variant is predicted to result in the amino acid substitution p.Asp617Glu. This variant has been reported in the heterozygous state in individuals with non-syndromic hearing loss; however, no second COL9A3 variants were detected in these individuals (Asamura et al. 2005. PubMed ID: 15917166). It has also been reported to be inherited from an asymptomatic father in an individual with multicentric carpotarsal osteolysis syndrome who carried a de novo variant in the MAFB gene (Stajkovska et al. 2018. PubMed ID: 29675035). This variant is reported in 0.062% of alleles in individuals of East Asian descent in gnomAD. Although we suspect that this variant may be benign, at this time, the clinical significance of this variant is uncertain due to the absence of conclusive functional and genetic evidence.

Labcorp Genetics (formerly Invitae), Labcorp
Classification: Likely benign. Last evaluated: 2025-12-16. Review status: criteria provided, single submitter. Criteria: Invitae Variant Classification Sherloc (09022015). Collection method: clinical testing. Allele origin: germline.

Juno Genomics, Hangzhou Juno Genomics, Inc
Classification: Uncertain significance for Intervertebral disc disorder; Epiphyseal dysplasia, multiple, 3; Stickler syndrome, type 6. Review status: criteria provided, single submitter. Criteria: ACMG Guidelines, 2015. Collection method: clinical testing. Allele origin: germline. Affected: yes.
Comment: Absent from controls (or at extremely low frequency if recessive) in Genome Aggregation Database, Exome Sequencing Project, 1000 Genomes Project, or Exome Aggregation Consortium.